The following is an entry in ClinVar:

NM_004408.4(DNM1):c.1129-14G>A

Gene: DNM1 (dynamin 1; plus strand). Cytogenetic location: 9q34.11.
Variant type: single nucleotide variant.
Coding change: c.1129-14G>A on transcript NM_004408.4 (MANE Select); 14 bases into the intron before coding-DNA position 1129, G replaced by A.
Molecular consequence: intron variant.
Genome position (GRCh38, 1-based): chr9:128,222,779, G>A. VCF-style: chr9-128222779-G-A. GRCh37 (hg19) VCF-style: chr9-130985058-G-A.
Other names: c.1129-14G>A (NM_001005336.3, NM_001288738.2, NM_001288737.2 and 1 more transcripts).
Identifiers: ClinVar variation 682180 (VCV000682180.1), dbSNP rs1588370648, ClinGen allele CA915947599.

ClinVar aggregate classification (germline): Likely benign (1 of 4 stars; one submission).

Submission:

GeneDx
Classification: Likely benign. Last evaluated: 2018-04-18. Review status: criteria provided, single submitter. Criteria: GeneDx Variant Classification (06012015). Collection method: clinical testing. Allele origin: germline. Affected: yes.
Comment: This variant is considered likely benign or benign based on one or more of the following criteria: it is a conservative change, it occurs at a poorly conserved position in the protein, it is predicted to be benign by multiple in silico algorithms, and/or has population frequency not consistent with disease.